The following is an entry in ClinVar:

ClinVar aggregate classification (germline): Uncertain significance. Review status: criteria provided, multiple submitters, no conflicts (2 of 4 stars). 3 submissions from 3 submitters: Uncertain significance (2). 1 of the submissions does not count toward it. Last evaluated 2025-07-01.

Allele frequency attached by ClinVar (database versions not stated): TOPMed below 0.00001; gnomAD 0.00001; gnomAD exomes 0.00001.
gnomAD v4.1: 11 of 1,614,090 alleles (0.00068%); highest among the groups gnomAD compares: Non-Finnish European, 0.00085%; no homozygotes.

Submissions (3):

CeGaT Center for Human Genetics Tuebingen
Classification: Uncertain significance. Last evaluated: 2025-07-01. Review status: criteria provided, single submitter. Criteria: CeGaT Center For Human Genetics Tuebingen Variant Classification Criteria Version 2. Collection method: clinical testing. Allele origin: germline. Affected: yes. Observed: 1 variant allele.
Comment: CAD: PM2, PP3

Labcorp Genetics (formerly Invitae), Labcorp
Classification: Uncertain significance. Last evaluated: 2023-10-13. Review status: criteria provided, single submitter. Criteria: Invitae Variant Classification Sherloc (09022015). Collection method: clinical testing. Allele origin: germline.
Comment: This sequence change replaces leucine, which is neutral and non-polar, with proline, which is neutral and non-polar, at codon 577 of the CAD protein (p.Leu577Pro). This variant is present in population databases (no rsID available, gnomAD 0.01%). This variant has not been reported in the literature in individuals affected with CAD-related conditions. ClinVar contains an entry for this variant (Variation ID: 591110). Advanced modeling of protein sequence and biophysical properties (such as structural, functional, and spatial information, amino acid conservation, physicochemical variation, residue mobility, and thermodynamic stability) performed at Invitae indicates that this missense variant is expected to disrupt CAD protein function. In summary, the available evidence is currently insufficient to determine the role of this variant in disease. Therefore, it has been classified as a Variant of Uncertain Significance.

Gharavi Laboratory, Columbia University
Classification: Uncertain significance. Last evaluated: 2018-09-16. Review status: no assertion criteria provided. Criteria: ACMG Guidelines, 2015. Collection method: research. Allele origin: germline. Affected: yes. Not counted in ClinVar's aggregate classification.

NM_004341.5(CAD):c.1730T>C (p.Leu577Pro)

Gene: CAD (carbamoyl-phosphate synthetase 2, aspartate transcarbamylase, and dihydroorotase; plus strand). Cytogenetic location: 2p23.3.
Variant type: single nucleotide variant.
Coding change: c.1730T>C on transcript NM_004341.5 (MANE Select); coding-DNA position 1730, T replaced by C.
Protein change: p.Leu577Pro; replaces leucine 577 with proline.
Molecular consequence: missense variant.
Genome position (GRCh38, 1-based): chr2:27,225,814, T>C. VCF-style: chr2-27225814-T-C. GRCh37 (hg19) VCF-style: chr2-27448682-T-C.
Other names: c.1730T>C, p.Leu577Pro (NM_001306079.2); short protein forms L577P.
Identifiers: ClinVar variation 591110 (VCV000591110.11), dbSNP rs1219263474, ClinGen allele CA346206166.
Genomic context (GRCh38, chr2:27,225,814, plus strand): 5'-CCTTTGCCCTGGGTGGCCTGGGCTCTGGCTTTGCCTCTAACAGGGAGGAGCTCTCTGCTC[T>C]CGTGGCCCCAGCTTTTGCCCATACCAGCCAAGTGCTAGTAGACAAGTCTCTGAAGGGATG-3'
Protein context (NP_004332.2, residues 567-587): FASNREELSA[Leu577Pro]VAPAFAHTSQ